The following is an entry in ClinVar:

ClinVar aggregate classification (germline): Uncertain significance. Review status: criteria provided, multiple submitters, no conflicts (2 of 4 stars). 2 submissions from 2 submitters: Uncertain significance (2). Last evaluated 2025-06-29.

Conditions:
Inborn genetic diseases. Identifiers: MedGen C0950123, MeSH D030342.

Allele frequency attached by ClinVar (database versions not stated): ExAC 0.00002; gnomAD 0.00003 and 0.00004; TOPMed 0.00005; ESP Exome Variant Server 0.00008.
gnomAD v4.1: 7 of 1,614,038 alleles (0.00043%); highest among the groups gnomAD compares: African/African-American, 0.0067%; no homozygotes.

Submissions (2):

Ambry Genetics
Classification: Uncertain significance for Inborn genetic diseases. Last evaluated: 2025-06-29. Review status: criteria provided, single submitter. Criteria: Ambry Variant Classification Scheme 2023. Collection method: clinical testing. Allele origin: germline.

Labcorp Genetics (formerly Invitae), Labcorp
Classification: Uncertain significance. Last evaluated: 2022-08-23. Review status: criteria provided, single submitter. Criteria: Invitae Variant Classification Sherloc (09022015). Collection method: clinical testing. Allele origin: germline.
Comment: Algorithms developed to predict the effect of missense changes on protein structure and function are either unavailable or do not agree on the potential impact of this missense change (SIFT: "Tolerated"; PolyPhen-2: "Not Available"; Align-GVGD: "Class C0"). ClinVar contains an entry for this variant (Variation ID: 1523571). This variant has not been reported in the literature in individuals affected with PTPN23-related conditions. This variant is present in population databases (rs370773584, gnomAD 0.01%). This sequence change replaces leucine, which is neutral and non-polar, with phenylalanine, which is neutral and non-polar, at codon 411 of the PTPN23 protein (p.Leu411Phe). In summary, the available evidence is currently insufficient to determine the role of this variant in disease. Therefore, it has been classified as a Variant of Uncertain Significance.

NM_015466.4(PTPN23):c.1231C>T (p.Leu411Phe)

Gene: PTPN23 (protein tyrosine phosphatase non-receptor type 23; plus strand). Cytogenetic location: 3p21.31.
Variant type: single nucleotide variant.
Coding change: c.1231C>T on transcript NM_015466.4 (MANE Select); coding-DNA position 1231, C replaced by T.
Protein change: p.Leu411Phe; replaces leucine 411 with phenylalanine.
Molecular consequence: missense variant.
Genome position (GRCh38, 1-based): chr3:47,408,391, C>T. VCF-style: chr3-47408391-C-T. GRCh37 (hg19) VCF-style: chr3-47449881-C-T.
Other names: c.853C>T, p.Leu285Phe (NM_001304482.2); c.1231C>T (NM_015466.2); short protein forms L411F, L285F.
Identifiers: ClinVar variation 1523571 (VCV001523571.6), dbSNP rs370773584, ClinGen allele CA2365686.